The following is an entry in ClinVar:

ClinVar aggregate classification (germline): Uncertain significance (1 of 4 stars; one submission).

Allele frequency attached by ClinVar (database versions not stated): gnomAD exomes below 0.00001 and 0.00001; gnomAD 0.00001; TOPMed 0.00002.
gnomAD v4.1: 5 of 1,551,600 alleles (0.00032%); highest among the groups gnomAD compares: Admixed American, 0.0039%; no homozygotes.

Submission:

Labcorp Genetics (formerly Invitae), Labcorp
Classification: Uncertain significance. Last evaluated: 2022-08-12. Review status: criteria provided, single submitter. Criteria: Invitae Variant Classification Sherloc (09022015). Collection method: clinical testing. Allele origin: germline.
Comment: This sequence change replaces serine, which is neutral and polar, with threonine, which is neutral and polar, at codon 419 of the UNC80 protein (p.Ser419Thr). This variant is present in population databases (no rsID available, gnomAD 0.004%). This variant has not been reported in the literature in individuals affected with UNC80-related conditions. ClinVar contains an entry for this variant (Variation ID: 1445314). Algorithms developed to predict the effect of missense changes on protein structure and function are either unavailable or do not agree on the potential impact of this missense change (SIFT: "Not Available"; PolyPhen-2: "Benign"; Align-GVGD: "Not Available"). In summary, the available evidence is currently insufficient to determine the role of this variant in disease. Therefore, it has been classified as a Variant of Uncertain Significance.

NM_001371986.1(UNC80):c.1255T>A (p.Ser419Thr)

Gene: UNC80 (unc-80 homolog, NALCN channel complex subunit; plus strand). Cytogenetic location: 2q34.
Variant type: single nucleotide variant.
Coding change: c.1255T>A on transcript NM_001371986.1 (MANE Select); coding-DNA position 1255, T replaced by A.
Protein change: p.Ser419Thr; replaces serine 419 with threonine.
Molecular consequence: missense variant.
Genome position (GRCh38, 1-based): chr2:209,815,311, T>A. VCF-style: chr2-209815311-T-A. GRCh37 (hg19) VCF-style: chr2-210680035-T-A.
Other names: c.1255T>A, p.Ser419Thr (NM_032504.2, NM_182587.4); short protein forms S419T.
Identifiers: ClinVar variation 1445314 (VCV001445314.6), dbSNP rs991988355, ClinGen allele CA64665543.